The following is an entry in ClinVar:

NM_019616.4(F7):c.196C>G (p.Arg66Gly)

Gene: F7 (coagulation factor VII; plus strand). Cytogenetic location: 13q34.
Variant type: single nucleotide variant.
Coding change: c.196C>G on transcript NM_019616.4 (MANE Select); coding-DNA position 196, C replaced by G.
Protein change: p.Arg66Gly; replaces arginine 66 with glycine.
Molecular consequence: missense variant. On other transcripts: non-coding transcript variant (1), intron variant (1).
Genome position (GRCh38, 1-based): chr13:113,110,821, C>G. VCF-style: chr13-113110821-C-G. GRCh37 (hg19) VCF-style: chr13-113765135-C-G.
Other names: c.262C>G, p.Arg88Gly (NM_000131.5); c.65-3026C>G (NM_001267554.2); short protein forms R66G, R88G.
Identifiers: ClinVar variation 1703842 (VCV001703842.1), dbSNP rs776354144, ClinGen allele CA7059875.

ClinVar aggregate classification (germline): Uncertain significance (1 of 4 stars; one submission).

Conditions:
Congenital factor VII deficiency. Identifiers: Orphanet 327, MedGen C0272320, MONDO:0009211, OMIM 227500.

Allele frequency attached by ClinVar (database versions not stated): gnomAD 0.00001; ExAC 0.00005.

Submission:

ISTH-SSC Genomics in Thrombosis and Hemostasis, KU Leuven, Center for Molecular and Vascular Biology
Classification: Uncertain significance for Congenital factor VII deficiency. Review status: criteria provided, single submitter. Criteria: ACMG Guidelines, 2015. Collection method: clinical testing. Allele origin: germline. Affected: yes. Observed: 1 heterozygote.
Comment: Submitted to GoldVariant by Kathleen Freson, Center for Molecular and Vascular Biology, Leuven, Belgium